The following is an entry in ClinVar:

ClinVar aggregate classification (germline): Uncertain significance (1 of 4 stars; one submission).

Submission:

Labcorp Genetics (formerly Invitae), Labcorp
Classification: Uncertain significance. Last evaluated: 2024-05-08. Review status: criteria provided, single submitter. Criteria: Invitae Variant Classification Sherloc (09022015). Collection method: clinical testing. Allele origin: germline.
Comment: This sequence change replaces methionine, which is neutral and non-polar, with threonine, which is neutral and polar, at codon 380 of the FH protein (p.Met380Thr). This variant is not present in population databases (gnomAD no frequency). This variant has not been reported in the literature in individuals affected with FH-related conditions. Advanced modeling of protein sequence and biophysical properties (such as structural, functional, and spatial information, amino acid conservation, physicochemical variation, residue mobility, and thermodynamic stability) has been performed at Invitae for this missense variant, however the output from this modeling did not meet the statistical confidence thresholds required to predict the impact of this variant on FH protein function. In summary, the available evidence is currently insufficient to determine the role of this variant in disease. Therefore, it has been classified as a Variant of Uncertain Significance.

NM_000143.4(FH):c.1139T>C (p.Met380Thr)

Gene: FH (fumarate hydratase; minus strand). Cytogenetic location: 1q43.
Variant type: single nucleotide variant.
Coding change: c.1139T>C on transcript NM_000143.4 (MANE Select); coding-DNA position 1139, T replaced by C.
Protein change: p.Met380Thr; replaces methionine 380 with threonine.
Molecular consequence: missense variant.
Genome position (GRCh38, 1-based): chr1:241,502,540, A>G on the plus strand (T>C on the coding strand, the complement: FH is on the minus strand). VCF-style: chr1-241502540-A-G. GRCh37 (hg19) VCF-style: chr1-241665840-A-G.
Other names: short protein forms M380T.
Identifiers: ClinVar variation 3652611 (VCV003652611.2).